The following is an entry in ClinVar:

ClinVar aggregate classification (germline): Pathogenic (0 of 4 stars; one submission).

Conditions:
Pyruvate dehydrogenase E1-alpha deficiency (PDHAD). Also called: ATAXIA, INTERMITTENT, WITH PYRUVATE DEHYDROGENASE DEFICIENCY; ATAXIA WITH LACTIC ACIDOSIS I; ATAXIA, INTERMITTENT, WITH ABNORMAL PYRUVATE METABOLISM; Ataxia, intermittent, with pyruvate dehydrogenase, or decarboxylase, deficiency. Identifiers: Orphanet 79243, MedGen C1839413, MONDO:0010717, OMIM 312170.

Submission:

PDHA1 Study Group, University Children’s Hospital, Paracelsus Medical University
Classification: Pathogenic for Pyruvate dehydrogenase E1-alpha deficiency. Last evaluated: 2024-10-15. Review status: no assertion criteria provided. Collection method: research. Allele origin: germline. Affected: yes. Observed: 1 variant allele.
Comment: The NM_000284.3:c.1014_1032dup (p.Glu345Ter) change is a nonsense variant in PDHA1 gene. This variant is predicted to escape nonsense-mediated decay (NMD). Last literature search: July 12, 2024. This variant is absent or extremely rare in population-based cohorts in the Genome Aggregation Database (gnomAD). Individuals harboring this variant presented with clinical features compatible with PDHA1-related PDHc deficiency. In summary, this variant meets criteria to be classified as pathogenic (P) for PDHA1-related PDHc deficiency based on the ACMG/AMP criteria applied: PVS1, PM2, PM7 (last assessment October 15, 2024).

Literature cited by the submitters: DOI 10.1093/brain/awaf430.

NM_000284.4(PDHA1):c.1014_1032dup (p.Glu345Ter)

Gene: PDHA1 (pyruvate dehydrogenase E1 subunit alpha 1; plus strand). Cytogenetic location: Xp22.12.
Variant type: Duplication.
Coding change: c.1014_1032dup on transcript NM_000284.4 (MANE Select); coding-DNA positions 1014 to 1032, 19 bases duplicated (TGATGTGGAAGTGAGGAAG).
Protein change: p.Glu345Ter; replaces glutamic acid 345 with a stop codon.
Molecular consequence: nonsense.
Genome position (GRCh38, 1-based): chrX:19,359,494-19,359,512, TGATGTGGAAGTGAGGAAG duplicated. VCF-style (leftmost placement, unchanged base first): chrX-19359493-T-TTGATGTGGAAGTGAGGAAG. GRCh37 (hg19) VCF-style: chrX-19377611-T-TTGATGTGGAAGTGAGGAAG.
Other names: c.1128_1146dup, p.Glu383Ter (NM_001173454.2); c.1035_1053dup, p.Glu352Ter (NM_001173455.2); c.921_939dup, p.Glu314Ter (NM_001173456.2); short protein forms E314*, E345*, E352*, E383*.
Identifiers: ClinVar variation 4070425 (VCV004070425.1).
Genomic context (GRCh38, chrX:19,359,493, plus strand): 5'-TGGTACCTAAGCTGCTGTTCATTCTAAAACCTTTTACACTGTTACCTAATTTTTAGGAAA[T>TTGATGTGGAAGTGAGGAAG]TGATGTGGAAGTGAGGAAGGAGATTGAGGATGCTGCCCAGTTTGCCACGGCCGATCCTGA-3'